The following is an entry in ClinVar:

ClinVar aggregate classification (germline): Pathogenic (1 of 4 stars; one submission).

Submission:

Labcorp Genetics (formerly Invitae), Labcorp
Classification: Pathogenic. Last evaluated: 2023-10-26. Review status: criteria provided, single submitter. Criteria: Invitae Variant Classification Sherloc (09022015). Collection method: clinical testing. Allele origin: unknown.
Comment: This variant is a gross deletion of the genomic region encompassing exon(s) 3-11 of the TG gene. This deletion is out-of-frame, and is expected to create a premature termination codon and result in an absent or disrupted protein product. Loss-of-function variants in TG are known to be pathogenic (PMID: 19837936, 23164529). This variant has not been reported in the literature in individuals affected with TG-related conditions. For these reasons, this variant has been classified as Pathogenic.

Literature cited by the submitters: PubMed 19837936; PubMed 23164529.

NC_000008.10:g.(?_133881954)_(133906194_?)del

Gene: TG (thyroglobulin; plus strand). Cytogenetic location: 8q24.22.
Variant type: Deletion.
Identifiers: ClinVar variation 3245566 (VCV003245566.1).